The following is an entry in ClinVar:

NM_000204.5(CFI):c.773-3C>T

Gene: CFI (complement factor I; minus strand). Cytogenetic location: 4q25.
Variant type: single nucleotide variant.
Coding change: c.773-3C>T on transcript NM_000204.5 (MANE Select); 3 bases into the intron before coding-DNA position 773, C replaced by T.
Molecular consequence: intron variant.
Genome position (GRCh38, 1-based): chr4:109,760,383, G>A on the plus strand (C>T on the coding strand, the complement: CFI is on the minus strand). VCF-style: chr4-109760383-G-A. GRCh37 (hg19) VCF-style: chr4-110681539-G-A.
Other names: p.?; c.773-3C>T (NM_001375278.1, NM_001375283.1, NM_001318057.2 and 6 more transcripts); c.164-3C>T (NM_001375284.1).
Identifiers: ClinVar variation 1312459 (VCV001312459.10), dbSNP rs375483832, ClinGen allele CA3042168.

ClinVar aggregate classification (germline): Uncertain significance. Review status: criteria provided, multiple submitters, no conflicts (2 of 4 stars). 4 submissions from 4 submitters: Uncertain significance (4). Last evaluated 2025-12-23.

Conditions:
Atypical hemolytic-uremic syndrome with I factor anomaly. Also called: HEMOLYTIC UREMIC SYNDROME, ATYPICAL, SUSCEPTIBILITY TO, 3; AHUS, SUSCEPTIBILITY TO, 3. Identifiers: Orphanet 2134, MedGen C2752039, MONDO:0013041, OMIM 612923.
Factor I deficiency (CFID). Also called: Complement factor I deficiency. Identifiers: Orphanet 200418, MedGen C3463916, MONDO:0012594, OMIM 610984.
Age related macular degeneration 13. Identifiers: MedGen C3809523, MONDO:0014189, OMIM 615439.

Allele frequency attached by ClinVar (database versions not stated): ExAC 0.00001; gnomAD exomes 0.00001 and 0.00002; gnomAD 0.00002; TOPMed 0.00002; ESP Exome Variant Server 0.00008.
gnomAD v4.1: 36 of 1,610,032 alleles (0.0022%); highest among the groups gnomAD compares: Non-Finnish European, 0.0029%; no homozygotes.

Submissions (4):

Labcorp Genetics (formerly Invitae), Labcorp
Classification: Uncertain significance. Last evaluated: 2025-12-23. Review status: criteria provided, single submitter. Criteria: Invitae Variant Classification Sherloc (09022015). Collection method: clinical testing. Allele origin: germline.
Comment: This sequence change falls in intron 5 of the CFI gene. It does not directly change the encoded amino acid sequence of the CFI protein. It affects a nucleotide within the consensus splice site. This variant is present in population databases (rs375483832, gnomAD 0.002%). This variant has not been reported in the literature in individuals affected with CFI-related conditions. ClinVar contains an entry for this variant (Variation ID: 1312459). Variants that disrupt the consensus splice site are a relatively common cause of aberrant splicing (PMID: 17576681, 9536098). Algorithms developed to predict the effect of sequence changes on RNA splicing suggest that this variant is not likely to affect RNA splicing. In summary, the available evidence is currently insufficient to determine the role of this variant in disease. Therefore, it has been classified as a Variant of Uncertain Significance.

Fulgent Genetics
Classification: Uncertain significance for Factor I deficiency; Atypical hemolytic-uremic syndrome with I factor anomaly; Age related macular degeneration 13. Last evaluated: 2024-03-04. Review status: criteria provided, single submitter. Criteria: ACMG Guidelines, 2015. Collection method: clinical testing. Allele origin: germline.

Mayo Clinic Laboratories, Mayo Clinic
Classification: Uncertain significance. Last evaluated: 2023-09-28. Review status: criteria provided, single submitter. Criteria: ACMG Guidelines, 2015. Collection method: clinical testing. Allele origin: germline. Observed: 1 variant allele.

GeneDx
Classification: Uncertain significance. Last evaluated: 2019-09-26. Review status: criteria provided, single submitter. Criteria: GeneDx Variant Classification Process June 2021. Collection method: clinical testing. Allele origin: germline. Affected: yes.
Comment: Not observed at a significant frequency in large population cohorts (Lek et al., 2016); Has not been previously published as pathogenic or benign to our knowledge; In-silico analysis, which includes splice predictors and evolutionary conservation, is inconclusive as to whether the variant alters gene splicing. In the absence of RNA/functional studies, the actual effect of this sequence change is unknown.

Literature cited by the submitters: PubMed 17576681 (cited by Labcorp Genetics (formerly Invitae), Labcorp); PubMed 9536098 (cited by Labcorp Genetics (formerly Invitae), Labcorp).